The following is an entry in ClinVar:

ClinVar aggregate classification (germline): Conflicting classifications of pathogenicity. Review status: criteria provided, conflicting classifications (1 of 4 stars). 6 submissions from 6 submitters: Uncertain significance (5); Likely benign (1). Last evaluated 2026-04-20.

Conditions:
Inborn genetic diseases. Identifiers: MedGen C0950123, MeSH D030342.
RTEL1-related disorder. Also called: RTEL1-related condition; RTEL1-related disorders.
Pulmonary fibrosis and/or bone marrow failure, Telomere-related, 3. Also called: PULMONARY FIBROSIS AND/OR BONE MARROW FAILURE SYNDROME, TELOMERE-RELATED, 3. Identifiers: Orphanet 2032, MedGen C4225346, MONDO:0014613, OMIM 616373.
Dyskeratosis congenita, autosomal recessive 5 (DKCB5). Identifiers: MedGen C3554656, MONDO:0014076, OMIM 615190.

Allele frequency attached by ClinVar (database versions not stated): gnomAD 0.00009; ESP Exome Variant Server 0.00008; TOPMed 0.00007.
gnomAD v4.1: 181 of 1,612,074 alleles (0.011%); highest among the groups gnomAD compares: Non-Finnish European, 0.015%; no homozygotes.

Submissions (6):

PreventionGenetics, part of Exact Sciences
Classification: Uncertain significance for RTEL1-related condition. Last evaluated: 2026-04-20. Review status: criteria provided, single submitter. Criteria: ACMG Guidelines, 2015. Collection method: clinical testing. Allele origin: germline.
Comment: The RTEL1 c.2112G>T variant is predicted to result in the amino acid substitution p.Gln704His. To our knowledge, this variant has not been reported in the literature. This variant is reported in 0.013% of alleles in individuals of European (Non-Finnish) descent in gnomAD. At this time, the clinical significance of this variant is uncertain due to the absence of conclusive functional and genetic evidence.

Labcorp Genetics (formerly Invitae), Labcorp
Classification: Uncertain significance for Dyskeratosis congenita, autosomal recessive 5; Pulmonary fibrosis and/or bone marrow failure, Telomere-related, 3. Last evaluated: 2025-12-17. Review status: criteria provided, single submitter. Criteria: Invitae Variant Classification Sherloc (09022015). Collection method: clinical testing. Allele origin: germline.
Comment: This sequence change replaces glutamine, which is neutral and polar, with histidine, which is basic and polar, at codon 680 of the RTEL1 protein (p.Gln680His). This variant is present in population databases (rs144568600, gnomAD 0.01%). This variant has not been reported in the literature in individuals affected with RTEL1-related conditions. ClinVar contains an entry for this variant (Variation ID: 1706103). An algorithm developed to predict the effect of missense changes on protein structure and function outputs the following: PolyPhen-2: "Benign". The histidine amino acid residue is found in multiple mammalian species, which suggests that this missense change does not adversely affect protein function. In summary, the available evidence is currently insufficient to determine the role of this variant in disease. Therefore, it has been classified as a Variant of Uncertain Significance.

GeneDx
Classification: Uncertain significance. Last evaluated: 2025-09-07. Review status: criteria provided, single submitter. Criteria: GeneDx Variant Classification Process June 2021. Collection method: clinical testing. Allele origin: germline.
Comment: In silico analysis suggests that this missense variant does not alter protein structure/function; Has not been previously published as pathogenic or benign to our knowledge; In silico analysis is inconclusive as to whether the variant alters gene splicing. In the absence of RNA/functional studies, the actual effect of this sequence change is unknown

Genetic Services Laboratory, University of Chicago
Classification: Uncertain significance. Last evaluated: 2025-08-15. Review status: criteria provided, single submitter. Criteria: ACMG Guidelines, 2015. Collection method: clinical testing. Allele origin: germline.
Comment: The c.2040G>T variant: Results in an amino acid change, p.Gln680His. Does not appear to have been previously described in individuals with RTEL1-related disorders. Is reported in the gnomAD v4 database with a frequency of 0.015% in the non-Finnish European subpopulation (dbSNP rs144568600). Affects a moderately conserved amino acid residue located in a domain of the RTEL1 protein that is known to be functional. Appears to be benign using several in-silico pathogenicity prediction tools. ClinVar contains an entry for this variant (Variation ID: 1706103) Alternate nomenclature for this variant using the NM_032957.5 transcript is c.2112G>T (p.Gln704His). Due to insufficient evidence and the lack of functional studies, the clinical significance of the p.Gln680His variant remains unknown at this time.

Ambry Genetics
Classification: Likely benign for Inborn genetic diseases. Last evaluated: 2024-12-26. Review status: criteria provided, single submitter. Criteria: Ambry Variant Classification Scheme 2023. Collection method: clinical testing. Allele origin: germline.

Department of Pathology and Laboratory Medicine, Sinai Health System
Classification: Uncertain significance for Dyskeratosis congenita, autosomal recessive 5; Pulmonary fibrosis and/or bone marrow failure, Telomere-related, 3. Last evaluated: 2022-07-26. Review status: criteria provided, single submitter. Criteria: ACMG Guidelines, 2015. Collection method: research. Allele origin: germline.

NM_001283009.2(RTEL1):c.2040G>T (p.Gln680His)

Genes: RTEL1 (regulator of telomere elongation helicase 1; plus strand), RTEL1-TNFRSF6B (RTEL1-TNFRSF6B readthrough (NMD candidate); plus strand). Cytogenetic location: 20q13.33.
Variant type: single nucleotide variant.
Coding change: c.2040G>T on transcript NM_001283009.2 (MANE Select); coding-DNA position 2040, G replaced by T.
Protein change: p.Gln680His; replaces glutamine 680 with histidine.
Molecular consequence: missense variant. On other transcripts: non-coding transcript variant (1).
Genome position (GRCh38, 1-based): chr20:63,689,764, G>T. VCF-style: chr20-63689764-G-T. GRCh37 (hg19) VCF-style: chr20-62321117-G-T.
Other names: c.1371G>T, p.Gln457His (NM_001283010.1); c.2040G>T, p.Gln680His (NM_016434.4); c.2112G>T, p.Gln704His (NM_032957.5); short protein forms Q457H, Q680H, Q704H.
Identifiers: ClinVar variation 1706103 (VCV001706103.14), dbSNP rs144568600, ClinGen allele CA9965149.
Genomic context (GRCh38, chr20:63,689,764, plus strand): 5'-CCCGTGGCCAAGGGAGCCCCCGTGACCGAGCCGCCTCGCCCCACAGTTCCTCTCTGGGCA[G>T]GAGTGGTACCGGCAGCAGGCGTCCAGGGCTGTGAACCAGGCCATCGGGCGAGTGATCCGG-3'
Protein context (NP_001269938.1, residues 670-690): GGAGGQFLSG[Gln680His]EWYRQQASRA